The following is an entry in ClinVar:

ClinVar aggregate classification (germline): Benign. Review status: criteria provided, multiple submitters, no conflicts (2 of 4 stars). 15 submissions from 15 submitters: Benign (11). 4 of the submissions do not count toward it. Last evaluated 2026-02-04.

Conditions:
Hereditary cancer-predisposing syndrome. Also called: Tumor predisposition; Hereditary neoplastic syndrome; Neoplastic Syndromes, Hereditary; Hereditary Cancer Syndrome. Identifiers: Orphanet 140162, MedGen C0027672, MeSH D009386, MONDO:0015356.
Fanconi anemia (FA). Also called: Fanconi's anemia. Identifiers: Orphanet 84, MedGen C0015625, MeSH D005199, MONDO:0019391.
Fanconi anemia complementation group C (FANCC). Also called: Fanconi anemia, group C; FANCONI PANCYTOPENIA, TYPE 3; FACC; FANCC-Related Fanconi Anemia. Identifiers: Orphanet 84, MedGen C3468041, MONDO:0009213, OMIM 227645.
Malignant tumor of breast. Also called: Cancer breast; Malignant breast neoplasm. Identifiers: MedGen C0006142, MONDO:0007254. Disease mechanism: loss of function.

Allele frequency attached by ClinVar (database versions not stated): gnomAD exomes 0.00233 and 0.00609; ExAC 0.00782; gnomAD 0.02117 and 0.02254; TOPMed 0.02395; ESP Exome Variant Server 0.02645; 1000 Genomes Project 0.02696; 1000 Genomes Project 30x 0.02889.
gnomAD v4.1: 6,778 of 1,613,862 alleles (0.42%); highest among the groups gnomAD compares: African/African-American, 7.2%; 224 homozygotes.

Submissions (15):

Labcorp Genetics (formerly Invitae), Labcorp
Classification: Benign for Fanconi anemia. Last evaluated: 2026-02-04. Review status: criteria provided, single submitter. Criteria: Invitae Variant Classification Sherloc (09022015). Collection method: clinical testing. Allele origin: germline.

Quest Diagnostics Nichols Institute San Juan Capistrano
Classification: Benign. Last evaluated: 2025-03-21. Review status: criteria provided, single submitter. Criteria: Quest Diagnostics criteria. Collection method: clinical testing. Allele origin: unknown.

ARUP Laboratories, Molecular Genetics and Genomics, ARUP Laboratories
Classification: Benign for Fanconi anemia complementation group C. Last evaluated: 2025-01-13. Review status: criteria provided, single submitter. Criteria: ARUP Molecular Germline Variant Investigation Process 2024. Collection method: clinical testing. Allele origin: germline.

KCCC/NGS Laboratory, Kuwait Cancer Control Center
Classification: Benign for Fanconi anemia complementation group C. Last evaluated: 2023-07-07. Review status: criteria provided, single submitter. Criteria: ACMG Guidelines, 2015. Collection method: clinical testing. Allele origin: germline. Affected: yes.

Sema4
Classification: Benign for Fanconi anemia. Last evaluated: 2020-02-06. Review status: criteria provided, single submitter. Criteria: Sema4 Curation Guidelines. Collection method: curation. Allele origin: germline.

Illumina Laboratory Services, Illumina
Classification: Benign for Fanconi anemia complementation group C. Last evaluated: 2018-01-12. Review status: criteria provided, single submitter. Criteria: ICSL Variant Classification Criteria 13 December 2019. Collection method: clinical testing. Allele origin: germline.
Comment: This variant was observed in the ICSL laboratory as part of a predisposition screen in an ostensibly healthy population. It had not been previously curated by ICSL or reported in the Human Gene Mutation Database (HGMD: prior to June 1st, 2018), and was therefore a candidate for classification through an automated scoring system. Utilizing variant allele frequency, disease prevalence and penetrance estimates, and inheritance mode, an automated score was calculated to assess if this variant is too frequent to cause the disease. Based on the score and internal cut-off values, a variant classified as benign is not then subjected to further curation. The score for this variant resulted in a classification of benign for this disease.

Ambry Genetics
Classification: Benign for Hereditary cancer-predisposing syndrome. Last evaluated: 2016-09-16. Review status: criteria provided, single submitter. Criteria: Ambry Variant Classification Scheme 2023. Collection method: clinical testing. Allele origin: germline.

Women's Health and Genetics/Laboratory Corporation of America, LabCorp
Classification: Benign. Last evaluated: 2016-04-29. Review status: criteria provided, single submitter. Criteria: LabCorp Variant Classification Summary - May 2015. Collection method: clinical testing. Allele origin: germline.
Comment: Variant summary: The c. variant involves the alteration of a non-conserved nucleotide and 2/4 in silico tools predict a neutral outcome. The variant is present in the control population dataset of ExAC at frequency of 0.78%, predomintantly observed in the African subpopulation at a frequency of 8%, including 37 homozygous occurrences. The observed frequency greatly exceeds the maximum expected allele frequency for a pathogenic variant of 0.18%, strong evidence that it is a benign polymorphism. Classification of the variant of interest has not been reported by reputable databases/clinical laboratories. Taking together, based on the prevalence of this variant in general population the variant was classified as Benign.

GeneDx
Classification: Benign. Last evaluated: 2015-03-03. Review status: criteria provided, single submitter. Criteria: GeneDx Variant Classification Process June 2021. Collection method: clinical testing. Allele origin: germline. Affected: yes.
Comment: This variant is associated with the following publications: (PMID: 30967997, 28135048, 24728327)

Breakthrough Genomics
Classification: Benign. Review status: criteria provided, single submitter. Criteria: ACMG Guidelines, 2015. Collection method: not provided. Allele origin: germline. Inheritance: Autosomal recessive inheritance. Affected: yes.

PreventionGenetics, part of Exact Sciences
Classification: Benign. Review status: criteria provided, single submitter. Criteria: ACMG Guidelines, 2015. Collection method: clinical testing. Allele origin: germline.

Leiden Open Variation Database
Classification: Uncertain significance. Last evaluated: 2020-02-28. Review status: no assertion criteria provided. Collection method: curation. Allele origin: germline. Affected: yes. Not counted in ClinVar's aggregate classification.
Comment: Curator: Arleen D. Auerbach. Submitter to LOVD: Arleen D. Auerbach.

Natera, Inc.
Classification: Benign for Fanconi anemia. Last evaluated: 2017-05-10. Review status: no assertion criteria provided. Collection method: clinical testing. Allele origin: germline. Not counted in ClinVar's aggregate classification.

ITMI
No classification provided. Condition: AllHighlyPenetrant. Last evaluated: 2013-09-19. Review status: no classification provided. Collection method: reference population. Allele origin: germline. Not counted in ClinVar's aggregate classification.
Comment: Please see associated publication for description of ethnicities

Department of Pathology and Laboratory Medicine, Sinai Health System
Classification: Benign for Malignant tumor of breast. Review status: no assertion criteria provided. Collection method: clinical testing. Allele origin: unknown. Affected: yes. Study: The Canadian Open Genetics Repository (COGR). Not counted in ClinVar's aggregate classification.
Comment: The FANCC p.Val449Met variant was identified in 4 of 912 proband chromosomes (frequency: 0.004) from British/other individuals or families with non-BRCA1/2 breast cancer, Fanconi anemia and leukemia, and was identified in 8 of 1362 control chromosomes from healthy individuals (Gibson 1996, Seal 2003, Barber 2003, Bodian 2014). The variant was also identified in dbSNP (ID: rs1800367) â€šÃ„ÃºWith other alleleâ€šÃ„Ã¹, ClinVar (classified as benign by Prevention Genetics and Invitae; likely benign by Illumina, and unclassified by ITMI), Clinvitae (2X), LOVD 3.0 (1X) but was not identified in Cosmic, and MutDB databases. The variant was identified in control databases in 2071 (76 homozygous) of 276492 chromosomes at a frequency of 0.007 increasing the likelihood this could be a low frequency benign variant (Genome Aggregation Consortium Feb 27, 2017) being identified in the following population at a frequency greater than 1%: African in 1753 (74 homozygous) of 23978 chromosomes (freq: 0.07), The p.Val449 residue is not conserved in mammals and computational analyses (PolyPhen-2, SIFT, AlignGVGD, BLOSUM, MutationTaster) do not suggest a high likelihood of impact to the protein; however, this information is not predictive enough to rule out pathogenicity. The variant occurs outside of the splicing consensus sequence and in silico or computational prediction software programs (SpliceSiteFinder, MaxEntScan, NNSPLICE, GeneSplicer, HumanSpliceFinder) do not predict a difference in splicing. In summary, based on the above information this variant meets our laboratory's criteria to be classified as benign.

Literature cited by the submitters: PubMed 08844212 (cited by Leiden Open Variation Database); PubMed 24728327 (cited by ITMI).

NM_000136.3(FANCC):c.1345G>A (p.Val449Met)

Genes: AOPEP (aminopeptidase O (putative); plus strand), FANCC (FA complementation group C; minus strand). Cytogenetic location: 9q22.32.
Variant type: single nucleotide variant.
Coding change: c.1345G>A on transcript NM_000136.3 (MANE Select); coding-DNA position 1345, G replaced by A.
Protein change: p.Val449Met; replaces valine 449 with methionine.
Molecular consequence: missense variant.
Genome position (GRCh38, 1-based): chr9:95,107,254, C>T on the plus strand (G>A on the coding strand, the complement: FANCC is on the minus strand). VCF-style: chr9-95107254-C-T. GRCh37 (hg19) VCF-style: chr9-97869536-C-T.
Other names: c.1345G>A, p.Val449Met (NM_001243743.2); short protein forms V449M.
Identifiers: ClinVar variation 134298 (VCV000134298.40), dbSNP rs1800367, ClinGen allele CA159393.
Genomic context (GRCh38, chr9:95,107,254, plus strand): 5'-TCTGCAGGTCCTGGGCTGAGAGGCTGCTGCTTCTGGACATTGCCAGGAGGTGGCCCAGCA[C>T]GGCCTTCACCTGGACCTGGGCAATAGTATTTCACAGGGGAGAGGTTAGGAAGAGGCAGGA-3'
Protein context (NP_000127.2, residues 439-459): RAQTMVQVKA[Val449Met]LGHLLAMSRS